The following is an entry in ClinVar:

NM_001985.3(ETFB):c.589A>G (p.Asn197Asp)

Gene: ETFB (electron transfer flavoprotein subunit beta; minus strand). Cytogenetic location: 19q13.41.
Variant type: single nucleotide variant.
Coding change: c.589A>G on transcript NM_001985.3 (MANE Select); coding-DNA position 589, A replaced by G.
Protein change: p.Asn197Asp; replaces asparagine 197 with aspartic acid.
Molecular consequence: missense variant.
Genome position (GRCh38, 1-based): chr19:51,346,908, T>C on the plus strand (A>G on the coding strand, the complement: ETFB is on the minus strand). VCF-style: chr19-51346908-T-C. GRCh37 (hg19) VCF-style: chr19-51850162-T-C.
Other names: c.862A>G, p.Asn288Asp (NM_001014763.1); short protein forms N288D, N197D.
Identifiers: ClinVar variation 1505107 (VCV001505107.6), dbSNP rs747411704, ClinGen allele CA9610714.
Genomic context (GRCh38, chr19:51,346,908, plus strand): 5'-GCAATGTGCTTGCCACCCCCAGGCCCTCAGTGCCCGCTGGCCAGGGGCTCACCATGATGT[T>C]GGGCAGCGTGGCGTAGCGGGGCTCGTTGAGCCTCAGGTCAGCTGTCACCACAGCTGGCAG-3'
Protein context (NP_001976.1, residues 187-207): LNEPRYATLP[Asn197Asp]IMKAKKKKIE

ClinVar aggregate classification (germline): Uncertain significance (1 of 4 stars; one submission).

Conditions:
Multiple acyl-CoA dehydrogenase deficiency (MADD). Also called: Glutaric aciduria, type 2; Glutaric acidemia type II; GA 2; Glutaric Acidemia type 2; ETHYLMALONIC-ADIPICACIDURIA; GA II. Identifiers: Orphanet 26791, MedGen C0268596, MONDO:0009282, OMIM 231680.

Allele frequency attached by ClinVar (database versions not stated): gnomAD exomes 0.00001.
gnomAD v4.1: 9 of 1,554,016 alleles (0.00058%); highest among the groups gnomAD compares: Non-Finnish European, 0.0007%; no homozygotes.

Submission:

Labcorp Genetics (formerly Invitae), Labcorp
Classification: Uncertain significance for Multiple acyl-CoA dehydrogenase deficiency. Last evaluated: 2021-01-28. Review status: criteria provided, single submitter. Criteria: Invitae Variant Classification Sherloc (09022015). Collection method: clinical testing. Allele origin: germline.
Comment: This sequence change replaces asparagine with aspartic acid at codon 197 of the ETFB protein (p.Asn197Asp). The asparagine residue is highly conserved and there is a small physicochemical difference between asparagine and aspartic acid. In summary, the available evidence is currently insufficient to determine the role of this variant in disease. Therefore, it has been classified as a Variant of Uncertain Significance. Algorithms developed to predict the effect of missense changes on protein structure and function (SIFT, PolyPhen-2, Align-GVGD) all suggest that this variant is likely to be tolerated, but these predictions have not been confirmed by published functional studies and their clinical significance is uncertain. This variant has not been reported in the literature in individuals with ETFB-related conditions. The frequency data for this variant in the population databases is considered unreliable, as metrics indicate poor data quality at this position in the ExAC database.